The following is an entry in ClinVar:

ClinVar aggregate classification (germline): Pathogenic/Likely pathogenic. Review status: criteria provided, multiple submitters, no conflicts (2 of 4 stars). 4 submissions from 4 submitters: Pathogenic (2); Likely pathogenic (1). 1 of the submissions does not count toward it. Last evaluated 2025-10-26.

Conditions:
UGT1A1-related disorder. Also called: UGT1A1-related disorders; UGT1A1-related condition.
Inborn genetic diseases. Identifiers: MedGen C0950123, MeSH D030342.

Submissions (4):

Labcorp Genetics (formerly Invitae), Labcorp
Classification: Pathogenic. Last evaluated: 2025-10-26. Review status: criteria provided, single submitter. Criteria: Invitae Variant Classification Sherloc (09022015). Collection method: clinical testing. Allele origin: germline.
Comment: This sequence change creates a premature translational stop signal (p.Ala27Valfs*25) in the UGT1A1 gene. It is expected to result in an absent or disrupted protein product. Loss-of-function variants in UGT1A1 are known to be pathogenic (PMID: 23290513). This variant is present in population databases (rs775463336, gnomAD 0.02%). This variant has not been reported in the literature in individuals affected with UGT1A1-related conditions. ClinVar contains an entry for this variant (Variation ID: 1325329). For these reasons, this variant has been classified as Pathogenic.

Ambry Genetics
Classification: Pathogenic for Inborn genetic diseases. Last evaluated: 2025-06-23. Review status: criteria provided, single submitter. Criteria: Ambry Variant Classification Scheme 2023. Collection method: clinical testing. Allele origin: germline.
Comment: The c.80_93del14 alteration, located in exon 1 (coding exon 1) of the UGT1A1 gene, consists of a deletion of 14 nucleotides from position 80 to 93, causing a translational frameshift with a predicted alternate stop codon after 25 amino acids. This alteration is expected to result in loss of function by premature protein truncation or nonsense-mediated mRNA decay. Based on data from gnomAD, this allele has an overall frequency of 0.0018% (5/282466) total alleles studied. The highest observed frequency was 0.02% (5/24934) of African/African American alleles. Based on the available evidence, this alteration is classified as pathogenic.

Revvity Omics, Revvity
Classification: Likely pathogenic. Last evaluated: 2024-04-29. Review status: criteria provided, single submitter. Criteria: ACMG Guidelines, 2015. Collection method: clinical testing. Allele origin: germline.

PreventionGenetics, part of Exact Sciences
Classification: Likely pathogenic for UGT1A1-related condition. Last evaluated: 2024-08-14. Review status: no assertion criteria provided. Collection method: clinical testing. Allele origin: germline. Not counted in ClinVar's aggregate classification.
Comment: The UGT1A1 c.80_93del14 variant is predicted to result in a frameshift and premature protein termination (p.Ala27Valfs*25). To our knowledge, this variant has not been reported in the literature. This variant is reported in 0.020% of alleles in individuals of African descent in gnomAD. Frameshift variants in UGT1A1 are expected to be pathogenic. This variant is interpreted as likely pathogenic.

Literature cited by the submitters: PubMed 23290513 (cited by Labcorp Genetics (formerly Invitae), Labcorp).

NM_000463.3(UGT1A1):c.80_93del (p.Ala27fs)

Genes: UGT1A8 (UDP glucuronosyltransferase family 1 member A8; plus strand), UGT1A9 (UDP glucuronosyltransferase family 1 member A9; plus strand), UGT1A4 (UDP glucuronosyltransferase family 1 member A4; plus strand), UGT1A5 (UDP glucuronosyltransferase family 1 member A5; plus strand), UGT1A6 (UDP glucuronosyltransferase family 1 member A6; plus strand) and 5 more. Cytogenetic location: 2q37.1.
Variant type: Deletion.
Coding change: c.80_93del on transcript NM_000463.3 (MANE Select); coding-DNA positions 80 to 93, 14 bases deleted (CTGGGAAGATACTG).
Protein change: p.Ala27fs; shifts the reading frame from alanine 27.
Molecular consequence: frameshift variant. On other transcripts: intron variant (9).
Genome position (GRCh38, 1-based): chr2:233,760,367-233,760,380, CTGGGAAGATACTG deleted; deleting any 14 consecutive bases within chr2:233,760,365-233,760,380 gives the same sequence; the c. name uses the placement nearest the transcript's 3' end. VCF-style (leftmost placement, unchanged base first): chr2-233760364-ATGCTGGGAAGATAC-A. GRCh37 (hg19) VCF-style: chr2-234669010-ATGCTGGGAAGATAC-A.
Other names: c.856-6667_856-6654del (NM_019076.5, NM_019075.4, NM_021027.3 and 1 more transcripts); c.61-6667_61-6654del (NM_205862.3); c.862-6667_862-6654del (NM_001072.4); c.868-6667_868-6654del (NM_019078.2, NM_007120.3, NM_019093.4); c.80_93del14 (NM_000463.2); short protein forms A27fs.
Identifiers: ClinVar variation 1325329 (VCV001325329.11), dbSNP rs775463336, ClinGen allele CA2179771.
Genomic context (GRCh38, chr2:233,760,364, plus strand): 5'-AGGGCGGACGCCCACTTGTCCTGGGCCTGCTGCTGTGTGTGCTGGGCCCAGTGGTGTCCC[ATGCTGGGAAGATAC>A]TGTTGATCCCAGTGGATGGCAGCCACTGGCTGAGCATGCTTGGGGCCATCCAGCAGCTGC-3'